The following is an entry in ClinVar:

ClinVar aggregate classification (germline): Uncertain significance (1 of 4 stars; one submission).

Submission:

Labcorp Genetics (formerly Invitae), Labcorp
Classification: Uncertain significance. Last evaluated: 2021-04-02. Review status: criteria provided, single submitter. Criteria: Invitae Variant Classification Sherloc (09022015). Collection method: clinical testing. Allele origin: germline.
Comment: This variant has not been reported in the literature in individuals with ICOSLG-related conditions. In summary, the available evidence is currently insufficient to determine the role of this variant in disease. Therefore, it has been classified as a Variant of Uncertain Significance. Algorithms developed to predict the effect of missense changes on protein structure and function are either unavailable or do not agree on the potential impact of this missense change (SIFT: "Deleterious"; PolyPhen-2: "Probably Damaging"; Align-GVGD: "Class C0"). This variant is not present in population databases (ExAC no frequency). This sequence change replaces cysteine with arginine at codon 37 of the ICOSLG protein (p.Cys37Arg). The cysteine residue is highly conserved and there is a large physicochemical difference between cysteine and arginine.

NM_015259.6(ICOSLG):c.109T>C (p.Cys37Arg)

Gene: ICOSLG (inducible T cell costimulator ligand; minus strand). Cytogenetic location: 21q22.3.
Variant type: single nucleotide variant.
Coding change: c.109T>C on transcript NM_015259.6 (MANE Select); coding-DNA position 109, T replaced by C.
Protein change: p.Cys37Arg; replaces cysteine 37 with arginine.
Molecular consequence: missense variant. On other transcripts: intron variant (2).
Genome position (GRCh38, 1-based): chr21:44,237,164, A>G on the plus strand (T>C on the coding strand, the complement: ICOSLG is on the minus strand). VCF-style: chr21-44237164-A-G. GRCh37 (hg19) VCF-style: chr21-45657047-A-G.
Other names: c.109T>C, p.Cys37Arg (NM_001283050.2); c.28T>C, p.Cys10Arg (NM_001365759.2); c.55+1284T>C (NM_001283051.2); c.-48-99T>C (NM_001283052.2); short protein forms C10R, C37R.
Identifiers: ClinVar variation 1460914 (VCV001460914.8), dbSNP rs2146345082, ClinGen allele CA410616698.
Genomic context (GRCh38, chr21:44,237,164, plus strand): 5'-TGGTTTGCCAATATACGTAAACATCATTTAAATCAAAACGGCTTCCTTCAGGGCAAGCGC[A>G]GCTGAGCTCCACGTCGCTGCCTACCATCGCTCTGACTTCCTTCTCCTGAGTATCTGCAAT-3'
Protein context (NP_056074.1, residues 27-47): AMVGSDVELS[Cys37Arg]ACPEGSRFDL